The following is an entry in ClinVar:

NM_004369.4(COL6A3):c.8966-2A>G

Gene: COL6A3 (collagen type VI alpha 3 chain; minus strand). Cytogenetic location: 2q37.3.
Variant type: single nucleotide variant.
Coding change: c.8966-2A>G on transcript NM_004369.4 (MANE Select); the canonical splice acceptor site of the intron before coding-DNA position 8966, A replaced by G.
Molecular consequence: splice acceptor variant.
Genome position (GRCh38, 1-based): chr2:237,334,891, T>C on the plus strand (A>G on the coding strand, the complement: COL6A3 is on the minus strand). VCF-style: chr2-237334891-T-C. GRCh37 (hg19) VCF-style: chr2-238243534-T-C.
Other names: c.7145-2A>G (NM_057166.5); c.8348-2A>G (NM_057167.4).
Identifiers: ClinVar variation 3376833 (VCV003376833.1).

ClinVar aggregate classification (germline): Likely pathogenic (1 of 4 stars; one submission).

Conditions:
Dystonia 27 (DYT27). Identifiers: Orphanet 464440, MedGen C4225336, MONDO:0014627, OMIM 616411.

gnomAD v4.1: 2 of 1,614,078 alleles (0.00012%); highest among the groups gnomAD compares: Non-Finnish European, 0.00017%; no homozygotes.

Submission:

Victorian Clinical Genetics Services, Murdoch Childrens Research Institute
Classification: Likely pathogenic for Dystonia 27. Last evaluated: 2023-12-21. Review status: criteria provided, single submitter. Criteria: ACMG Guidelines, 2015. Collection method: clinical testing. Allele origin: germline. Inheritance: Autosomal recessive inheritance. Affected: yes.
Comment: Based on the classification scheme VCGS_Germline_v1.3.4, this variant is classified as Likely pathogenic. Following criteria are met: 0103 - Dominant negative and loss of function are known mechanisms of disease in this gene, and are associated with Bethlem myopathy 1 (MIM#158810), dystonia 27 (MIM#616411) and Ullrich congenital muscular dystrophy 1 (MIM#254090). (I) 0108 - This gene is associated with both recessive and dominant disease (OMIM). (I) 0211 - Canonical splice site variant without proven consequence on splicing (no functional evidence available). (SP) 0251 - This variant is heterozygous. (I) 0301 - Variant is absent from gnomAD (both v2 and v3). (SP) 0311 - Multiple alternative nucleotide changes at the same canonical splice site are present in gnomAD (highest allele count v3: 6 heterozygotes, 0 homozygotes). (I) 0505 - Abnormal splicing is predicted by in silico tools and affected nucleotide is highly conserved. (SP) 0704 - Another canonical splice variant comparable to the one identified in this case has limited previous evidence for pathogenicity. c.8966-1G>C has been classified as pathogenic by multiple clinical laboratories in ClinVar, and has been reported in individuals with autosomal recessive dystonia (Mastermind). (SP) 0807 - This variant has no previous evidence of pathogenicity. (I) 0905 - No published segregation evidence has been identified for this variant. (I) 1007 - No published functional evidence has been identified for this variant. (I) Legend: (SP) - Supporting pathogenic, (I) - Information, (SB) - Supporting benign